The following is an entry in ClinVar:

NM_001904.4(CTNNB1):c.95A>T (p.Asp32Val)

Genes: CTNNB1 (catenin beta 1; plus strand), LOC126806658 (BRD4-independent group 4 enhancer GRCh37_chr3:41265899-41267098; plus strand). Cytogenetic location: 3p22.1.
Variant type: single nucleotide variant.
Coding change: c.95A>T on transcript NM_001904.4 (MANE Select); coding-DNA position 95, A replaced by T.
Protein change: p.Asp32Val; replaces aspartic acid 32 with valine.
Molecular consequence: missense variant.
Genome position (GRCh38, 1-based): chr3:41,224,607, A>T. VCF-style: chr3-41224607-A-T. GRCh37 (hg19) VCF-style: chr3-41266098-A-T.
Other names: c.95A>T, p.Asp32Val (NM_001098209.2, NM_001098210.2); c.74A>T, p.Asp25Val (NM_001330729.2); short protein forms D32V, D25V.
Identifiers: ClinVar variation 3764997 (VCV003764997.2), dbSNP rs121913396.

ClinVar aggregate classification (somatic clinical impact): Tier I - Strong (1 of 4 stars; one submission).
ClinVar aggregate classification (oncogenicity): Likely oncogenic (1 of 4 stars; one submission).

Conditions:
Embryonal rhabdomyosarcoma (ERMS). Also called: Botryoid rhabdomyosarcoma (type of ERMS); Spindle cell rhabdomyosarcomas (type of ERMS). Identifiers: Orphanet 99757, MedGen C0206656, MONDO:0009993, HP:0006743.
Neoplasm. Also called: Neoplasms; Neoplasm (disease); tumor. Identifiers: MedGen C0027651, MeSH D009369, MONDO:0005070, HP:0002664.

Submissions (2):

Center for Genomic Medicine, Rigshospitalet, Copenhagen University Hospital
Classification: Likely oncogenic for Neoplasm. Last evaluated: 2025-03-04. Review status: criteria provided, single submitter. Criteria: ClinGen/CGC/VICC Guidelines for Oncogenicity, 2022. Collection method: clinical testing. Allele origin: somatic. Affected: yes.

Institute for Genomic Medicine (IGM) Clinical Laboratory, Nationwide Children's Hospital
Classification: Tier I - Strong for Embryonal rhabdomyosarcoma. Assertion type: diagnostic. Clinical significance: supports diagnosis. Last evaluated: 2023-06-28. Review status: criteria provided, single submitter. Criteria: AMP/ASCO/CAP Guidelines, 2017. Collection method: clinical testing. Allele origin: somatic. Affected: yes.
Comment: Variant has Tier I (strong) clinical significance as a diagnostic inclusion criterion in embryonal rhabdomyosarcoma, based on the following evidence: 1) Documented in one or more cancer databases (e.g., St. Jude Pecan, COSMIC, CIViC, OncoKB). 2) Appears in one or more well-established professional guidelines (e.g., World Health Organization [WHO]; National Comprehensive Cancer Network [NCCN]) as providing diagnostic, prognostic, or therapeutic information. 3) Information in the literature supports potential biologic effect of variant (PMIDs: 10597262, 25431235). 4) Diagnostic for a specific tumor type/classification based on well-powered studies with expert-level consensus (Evidence Level B; PMIDs: 34166060, 24436047, 24332040, 22142829).

Literature cited by the submitters: PubMed 10597262 (cited by Center for Genomic Medicine, Rigshospitalet, Copenhagen University Hospital and Institute for Genomic Medicine (IGM) Clinical Laboratory, Nationwide Children's Hospital); PubMed 25431235 (cited by Center for Genomic Medicine, Rigshospitalet, Copenhagen University Hospital and Institute for Genomic Medicine (IGM) Clinical Laboratory, Nationwide Children's Hospital); PubMed 34166060 (cited by Institute for Genomic Medicine (IGM) Clinical Laboratory, Nationwide Children's Hospital); PubMed 24436047 (cited by Institute for Genomic Medicine (IGM) Clinical Laboratory, Nationwide Children's Hospital); PubMed 24332040 (cited by Institute for Genomic Medicine (IGM) Clinical Laboratory, Nationwide Children's Hospital); PubMed 22142829 (cited by Institute for Genomic Medicine (IGM) Clinical Laboratory, Nationwide Children's Hospital).